The following is an entry in ClinVar:

ClinVar aggregate classification (germline): Uncertain significance (1 of 4 stars; one submission).

Allele frequency attached by ClinVar (database versions not stated): gnomAD exomes 0.00001.
gnomAD v4.1: 8 of 1,614,126 alleles (0.0005%); highest among the groups gnomAD compares: Non-Finnish European, 0.00068%; no homozygotes.

Submission:

Labcorp Genetics (formerly Invitae), Labcorp
Classification: Uncertain significance. Last evaluated: 2022-02-05. Review status: criteria provided, single submitter. Criteria: Invitae Variant Classification Sherloc (09022015). Collection method: clinical testing. Allele origin: germline.
Comment: This sequence change replaces isoleucine, which is neutral and non-polar, with valine, which is neutral and non-polar, at codon 4630 of the USH2A protein (p.Ile4630Val). This variant is present in population databases (no rsID available, gnomAD 0.002%). This variant has not been reported in the literature in individuals affected with USH2A-related conditions. Algorithms developed to predict the effect of missense changes on protein structure and function output the following: SIFT: "Tolerated"; PolyPhen-2: "Benign"; Align-GVGD: "Class C0". The valine amino acid residue is found in multiple mammalian species, which suggests that this missense change does not adversely affect protein function. In summary, the available evidence is currently insufficient to determine the role of this variant in disease. Therefore, it has been classified as a Variant of Uncertain Significance.

NM_206933.4(USH2A):c.13888A>G (p.Ile4630Val)

Gene: USH2A (usherin; minus strand). Cytogenetic location: 1q41.
Variant type: single nucleotide variant.
Coding change: c.13888A>G on transcript NM_206933.4 (MANE Select); coding-DNA position 13888, A replaced by G.
Protein change: p.Ile4630Val; replaces isoleucine 4630 with valine.
Molecular consequence: missense variant.
Genome position (GRCh38, 1-based): chr1:215,671,217, T>C on the plus strand (A>G on the coding strand, the complement: USH2A is on the minus strand). VCF-style: chr1-215671217-T-C. GRCh37 (hg19) VCF-style: chr1-215844559-T-C.
Other names: short protein forms I4630V.
Identifiers: ClinVar variation 1466253 (VCV001466253.5), dbSNP rs1357048122, ClinGen allele CA344841529.